The following is an entry in ClinVar:

ClinVar aggregate classification (germline): Uncertain significance (1 of 4 stars; one submission).

Submission:

Ambry Genetics
Classification: Uncertain significance. Last evaluated: 2023-11-15. Review status: criteria provided, single submitter. Criteria: Ambry Variant Classification Scheme 2023. Collection method: clinical testing. Allele origin: germline.
Comment: The p.R191S variant (also known as c.573A>T), located in coding exon 1 of the PALLD gene, results from an A to T substitution at nucleotide position 573. The arginine at codon 191 is replaced by serine, an amino acid with dissimilar properties. This amino acid position is conserved. In addition, this alteration is predicted to be tolerated by in silico analysis. Since supporting evidence is limited at this time, the clinical significance of this alteration remains unclear.

NM_001166108.2(PALLD):c.573A>T (p.Arg191Ser)

Gene: PALLD (palladin, cytoskeletal associated protein; plus strand). Cytogenetic location: 4q32.3.
Variant type: single nucleotide variant.
Coding change: c.573A>T on transcript NM_001166108.2 (MANE Select); coding-DNA position 573, A replaced by T.
Protein change: p.Arg191Ser; replaces arginine 191 with serine.
Molecular consequence: missense variant.
Genome position (GRCh38, 1-based): chr4:168,512,077, A>T. VCF-style: chr4-168512077-A-T. GRCh37 (hg19) VCF-style: chr4-169433228-A-T.
Other names: c.573A>T, p.Arg191Ser (NM_016081.4); short protein forms R191S.
Identifiers: ClinVar variation 3226826 (VCV003226826.1), dbSNP rs2531434033, ClinGen allele CA358726317.
Genomic context (GRCh38, chr4:168,512,077, plus strand): 5'-GGCAGCTAATTTAATTGAGGAGCTAACATCCATATTTAAAGCCGCAAAGCCAAGAAACAG[A>T]AGCCCAAATGGGGAGTCCTCGTCACCAGACAGTGGGTACCTGTCTCCTAAAAATCAGCCG-3'
Protein context (NP_001159580.1, residues 181-201): SIFKAAKPRN[Arg191Ser]SPNGESSSPD